The following is an entry in ClinVar:

NM_001080453.3(INTS1):c.1537C>T (p.Gln513Ter)

Gene: INTS1 (integrator complex subunit 1; minus strand). Cytogenetic location: 7p22.3.
Variant type: single nucleotide variant.
Coding change: c.1537C>T on transcript NM_001080453.3 (MANE Select); coding-DNA position 1537, C replaced by T.
Protein change: p.Gln513Ter; replaces glutamine 513 with a stop codon.
Molecular consequence: nonsense.
Genome position (GRCh38, 1-based): chr7:1,497,203, G>A on the plus strand (C>T on the coding strand, the complement: INTS1 is on the minus strand). VCF-style: chr7-1497203-G-A. GRCh37 (hg19) VCF-style: chr7-1536839-G-A.
Other names: short protein forms Q513*.
Identifiers: ClinVar variation 4891231 (VCV004891231.1).
Genomic context (GRCh38, chr7:1,497,203, plus strand): 5'-ACTCCATCTCCAGGTACTGCGGCTCCTTGCGCTCCTGCATGAGCCCCAGGCAGAAGGCCT[G>A]GAAGTTGATCTCGTGCTTGGTCTGCTTGATGATCTCCCGCAGCAGGGCCCGCGAGGCCCG-3'

ClinVar aggregate classification (germline): Likely pathogenic (1 of 4 stars; one submission).

Conditions:
Neurodevelopmental disorder with cataracts, poor growth, and dysmorphic facies. Identifiers: MedGen C5231414, MONDO:0032817, OMIM 618571.

Submission:

Greenwood Genetic Center Diagnostic Laboratories, Greenwood Genetic Center
Classification: Likely pathogenic for Neurodevelopmental disorder with cataracts, poor growth, and dysmorphic facies. Last evaluated: 2026-04-17. Review status: criteria provided, single submitter. Criteria: ACMG Guidelines, 2015. Collection method: clinical testing. Allele origin: germline. Affected: yes.
Comment: PVS1, PM2